The following is an entry in ClinVar:

NM_024580.6(EFL1):c.227C>T (p.Ser76Phe)

Gene: EFL1 (elongation factor like GTPase 1; minus strand). Cytogenetic location: 15q25.2.
Variant type: single nucleotide variant.
Coding change: c.227C>T on transcript NM_024580.6 (MANE Select); coding-DNA position 227, C replaced by T.
Protein change: p.Ser76Phe; replaces serine 76 with phenylalanine.
Molecular consequence: missense variant. On other transcripts: non-coding transcript variant (1), intron variant (2).
Genome position (GRCh38, 1-based): chr15:82,252,708, G>A on the plus strand (C>T on the coding strand, the complement: EFL1 is on the minus strand). VCF-style: chr15-82252708-G-A. GRCh37 (hg19) VCF-style: chr15-82545049-G-A.
Other names: c.227C>T, p.Ser76Phe (NM_001322845.2); c.91+8980C>T (NM_001040610.3); c.-546+6380C>T (NM_001322844.2); short protein forms S76F.
Identifiers: ClinVar variation 1715269 (VCV001715269.5), dbSNP rs747075807, ClinGen allele CA7698347.

ClinVar aggregate classification (germline): Uncertain significance (1 of 4 stars; one submission).

Allele frequency attached by ClinVar (database versions not stated): gnomAD exomes below 0.00001; ExAC 0.00001; gnomAD 0.00001; TOPMed 0.00001.
gnomAD v4.1: 7 of 1,612,392 alleles (0.00043%); highest among the groups gnomAD compares: African/African-American, 0.0013%; no homozygotes.

Submission:

Labcorp Genetics (formerly Invitae), Labcorp
Classification: Uncertain significance. Last evaluated: 2022-08-06. Review status: criteria provided, single submitter. Criteria: Invitae Variant Classification Sherloc (09022015). Collection method: clinical testing. Allele origin: germline.
Comment: In summary, the available evidence is currently insufficient to determine the role of this variant in disease. Therefore, it has been classified as a Variant of Uncertain Significance. Algorithms developed to predict the effect of missense changes on protein structure and function are either unavailable or do not agree on the potential impact of this missense change (SIFT: "Deleterious"; PolyPhen-2: "Probably Damaging"; Align-GVGD: "Class C0"). This variant has not been reported in the literature in individuals affected with EFL1-related conditions. This variant is present in population databases (rs747075807, gnomAD 0.004%). This sequence change replaces serine, which is neutral and polar, with phenylalanine, which is neutral and non-polar, at codon 76 of the EFL1 protein (p.Ser76Phe).